The following is an entry in ClinVar:

NM_000038.6(APC):c.1069_1075dup (p.Leu359fs)

Gene: APC (APC regulator of Wnt signaling pathway; plus strand). Cytogenetic location: 5q22.2.
Variant type: Duplication.
Coding change: c.1069_1075dup on transcript NM_000038.6 (MANE Select); coding-DNA positions 1069 to 1075, 7 bases duplicated (ATCCAGC; older notation c.1069_1075dupATCCAGC).
Protein change: p.Leu359fs; shifts the reading frame from leucine 359.
Molecular consequence: frameshift variant. On other transcripts: non-coding transcript variant (2), intron variant (15).
Genome position (GRCh38, 1-based): chr5:112,819,101-112,819,107, ATCCAGC duplicated; duplicating any 7 consecutive bases within chr5:112,819,100-112,819,107 gives the same sequence; the c. name uses the placement nearest the transcript's 3' end. VCF-style (leftmost placement, unchanged base first): chr5-112819099-T-TCATCCAG. GRCh37 (hg19) VCF-style: chr5-112154796-T-TCATCCAG.
Other names: c.1069_1075dup, p.Leu359fs (NM_001127510.3, NM_001354895.2, NM_001354896.2 and 4 more transcripts); c.1015_1021dup, p.Leu341fs (NM_001127511.3); c.1099_1105dup, p.Leu369fs (NM_001354897.2, NM_001407446.1); c.994_1000dup, p.Leu334fs (NM_001354898.2, NM_001407451.1); c.985_991dup, p.Leu331fs (NM_001354899.2, NM_001407452.1); c.892_898dup, p.Leu300fs (NM_001354900.2, NM_001354901.2, NM_001407453.1); c.220_226dup, p.Leu76fs (NM_001354906.2, NM_001407470.1); c.85-168_85-162dup (NM_001407472.1, NM_001407471.1); and 5 more; short protein forms L300fs, L331fs, L334fs, L341fs, L359fs, L369fs, L76fs.
Identifiers: ClinVar variation 2583542 (VCV002583542.2), dbSNP rs2533043334, ClinGen allele CA2582341349.

ClinVar aggregate classification (germline): Pathogenic (1 of 4 stars; one submission).

Conditions:
Familial adenomatous polyposis 1 (FAP1). Also called: POLYPOSIS, ADENOMATOUS INTESTINAL; FAMILIAL ADENOMATOUS POLYPOSIS 1, ATTENUATED. Identifiers: MedGen C2713442, MONDO:0021056, OMIM 175100. Disease mechanism: loss of function.

Submission:

Myriad Genetics, Inc.
Classification: Pathogenic for Familial adenomatous polyposis 1. Last evaluated: 2023-04-28. Review status: criteria provided, single submitter. Criteria: Myriad Autosomal Dominant, Autosomal Recessive and X-Linked Classification Criteria (2023). Collection method: clinical testing. Allele origin: unknown.
Comment: This variant is considered pathogenic. This variant creates a frameshift predicted to result in premature protein truncation.